The following is an entry in ClinVar:

ClinVar aggregate classification (germline): Uncertain significance. Review status: criteria provided, multiple submitters, no conflicts (2 of 4 stars). 2 submissions from 2 submitters: Uncertain significance (2). Last evaluated 2026-07-06.

Conditions:
Hereditary cancer-predisposing syndrome. Also called: Tumor predisposition; Hereditary Cancer Syndrome; Hereditary neoplastic syndrome; Neoplastic Syndromes, Hereditary. Identifiers: Orphanet 140162, MedGen C0027672, MeSH D009386, MONDO:0015356.
Multiple endocrine neoplasia, type 2 (MEN2). Identifiers: Orphanet 653, MedGen C4048306, MONDO:0019003. Disease mechanism: gain of function.

Submissions (2):

Ambry Genetics
Classification: Uncertain significance for Hereditary cancer-predisposing syndrome. Last evaluated: 2026-07-06. Review status: criteria provided, single submitter. Criteria: Ambry Variant Classification Scheme 2023. Collection method: clinical testing. Allele origin: germline.
Comment: The p.F185L variant (also known as c.555C>A), located in coding exon 3 of the RET gene, results from a C to A substitution at nucleotide position 555. The phenylalanine at codon 185 is replaced by leucine, an amino acid with highly similar properties. This amino acid position is conserved. In addition, this alteration is predicted to be tolerated by in silico analysis. Based on the available evidence, the clinical significance of this variant remains unclear.

Labcorp Genetics (formerly Invitae), Labcorp
Classification: Uncertain significance for Multiple endocrine neoplasia, type 2. Last evaluated: 2022-06-01. Review status: criteria provided, single submitter. Criteria: Invitae Variant Classification Sherloc (09022015). Collection method: clinical testing. Allele origin: germline.
Comment: This sequence change replaces phenylalanine, which is neutral and non-polar, with leucine, which is neutral and non-polar, at codon 185 of the RET protein (p.Phe185Leu). This variant is not present in population databases (gnomAD no frequency). This variant has not been reported in the literature in individuals affected with RET-related conditions. Algorithms developed to predict the effect of missense changes on protein structure and function are either unavailable or do not agree on the potential impact of this missense change (SIFT: "Tolerated"; PolyPhen-2: "Probably Damaging"; Align-GVGD: "Class C0"). In summary, the available evidence is currently insufficient to determine the role of this variant in disease. Therefore, it has been classified as a Variant of Uncertain Significance.

NM_020975.6(RET):c.555C>A (p.Phe185Leu)

Gene: RET (ret proto-oncogene; plus strand). Cytogenetic location: 10q11.21.
Variant type: single nucleotide variant.
Coding change: c.555C>A on transcript NM_020975.6 (MANE Select); coding-DNA position 555, C replaced by A.
Protein change: p.Phe185Leu; replaces phenylalanine 185 with leucine.
Molecular consequence: missense variant.
Genome position (GRCh38, 1-based): chr10:43,102,559, C>A. VCF-style: chr10-43102559-C-A. GRCh37 (hg19) VCF-style: chr10-43598007-C-A.
Other names: c.555C>A, p.Phe185Leu (NM_000323.2, NM_001406743.1, NM_001406744.1 and 16 more transcripts); c.426C>A, p.Phe142Leu (NM_001406761.1, NM_001406762.1, NM_001406764.1 and 4 more transcripts); short protein forms F185L, F142L.
Identifiers: ClinVar variation 2150730 (VCV002150730.5), dbSNP rs2132683519, ClinGen allele CA376543470.